The following is an entry in ClinVar:

ClinVar aggregate classification (germline): Likely benign. Review status: criteria provided, multiple submitters, no conflicts (2 of 4 stars). 2 submissions from 2 submitters: Likely benign (2). Last evaluated 2023-10-01.

Allele frequency attached by ClinVar (database versions not stated): gnomAD exomes 0.00112; 1000 Genomes Project 0.00120; gnomAD 0.00141; ExAC 0.00142; 1000 Genomes Project 30x 0.00156; TOPMed 0.00172; ESP Exome Variant Server 0.00209.
gnomAD v4.1: 1,964 of 1,612,976 alleles (0.12%); highest among the groups gnomAD compares: Middle Eastern, 1.8%; 13 homozygotes.

Submissions (2):

CeGaT Center for Human Genetics Tuebingen
Classification: Likely benign. Last evaluated: 2023-10-01. Review status: criteria provided, single submitter. Criteria: CeGaT Center For Human Genetics Tuebingen Variant Classification Criteria Version 2. Collection method: clinical testing. Allele origin: germline. Affected: yes. Observed: 2 variant alleles.
Comment: FLAD1: BP4

Blueprint Genetics
Classification: Likely benign. Last evaluated: 2023-02-07. Review status: criteria provided, single submitter. Criteria: ACMG Guidelines, 2015. Collection method: clinical testing. Allele origin: germline.

NM_025207.5(FLAD1):c.1555-156A>G

Gene: FLAD1 (flavin adenine dinucleotide synthetase 1; plus strand). Cytogenetic location: 1q21.3.
Variant type: single nucleotide variant.
Coding change: c.1555-156A>G on transcript NM_025207.5 (MANE Select); 156 bases into the intron before coding-DNA position 1555, A replaced by G.
Molecular consequence: intron variant.
Genome position (GRCh38, 1-based): chr1:154,992,557, A>G. VCF-style: chr1-154992557-A-G. GRCh37 (hg19) VCF-style: chr1-154965033-A-G.
Other names: c.1264-156A>G (NM_001184891.2, NM_201398.3).
Identifiers: ClinVar variation 2639386 (VCV002639386.25), dbSNP rs200926541, ClinGen allele CA1134602.
Genomic context (GRCh38, chr1:154,992,557, plus strand): 5'-GGTGGTTCAAGAATGGAAAGCAGAGAGTGGAGAAGATGAAGTCCTTCTCTTTCTCTTTGC[A>G]TACATAGAGCAAGCTATACCAGAGAATCAGATAGCAAGCCCTCCCTCAGAGGCCAAGGGA-3'